The following is an entry in ClinVar:

NM_018109.4(MTPAP):c.138T>C (p.Pro46=)

Gene: MTPAP (mitochondrial poly(A) polymerase; minus strand). Cytogenetic location: 10p11.23.
Variant type: single nucleotide variant.
Coding change: c.138T>C on transcript NM_018109.4 (MANE Select); coding-DNA position 138, T replaced by C.
Protein change: p.Pro46=; no amino-acid change (proline 46 retained).
Molecular consequence: synonymous variant.
Genome position (GRCh38, 1-based): chr10:30,349,138, A>G on the plus strand (T>C on the coding strand, the complement: MTPAP is on the minus strand). VCF-style: chr10-30349138-A-G. GRCh37 (hg19) VCF-style: chr10-30638067-A-G.
Identifiers: ClinVar variation 743121 (VCV000743121.34), dbSNP rs147352132, ClinGen allele CA5459284.

ClinVar aggregate classification (germline): Benign/Likely benign. Review status: criteria provided, multiple submitters, no conflicts (2 of 4 stars). 3 submissions from 3 submitters: Benign (1); Likely benign (2). Last evaluated 2025-12-16.

Allele frequency attached by ClinVar (database versions not stated): TOPMed 0.00029; gnomAD 0.00031 and 0.00034; ESP Exome Variant Server 0.00038; gnomAD exomes 0.00044 and 0.00061; 1000 Genomes Project 0.00060; ExAC 0.00071; 1000 Genomes Project 30x 0.00078.
gnomAD v4.1: 697 of 1,613,838 alleles (0.043%); highest among the groups gnomAD compares: South Asian, 0.19%; 4 homozygotes.

Submissions (3):

Labcorp Genetics (formerly Invitae), Labcorp
Classification: Benign. Last evaluated: 2025-12-16. Review status: criteria provided, single submitter. Criteria: Invitae Variant Classification Sherloc (09022015). Collection method: clinical testing. Allele origin: germline.

Blueprint Genetics
Classification: Likely benign. Last evaluated: 2024-10-17. Review status: criteria provided, single submitter. Criteria: ACMG Guidelines, 2015. Collection method: clinical testing. Allele origin: germline.

CeGaT Center for Human Genetics Tuebingen
Classification: Likely benign. Last evaluated: 2022-06-01. Review status: criteria provided, single submitter. Criteria: CeGaT Center For Human Genetics Tuebingen Variant Classification Criteria Version 2. Collection method: clinical testing. Allele origin: germline. Affected: yes. Observed: 1 variant allele.
Comment: MTPAP: BP4, BP7